The following is an entry in ClinVar:

NM_001482.3(GATM):c.1042+5G>A

Gene: GATM (glycine amidinotransferase; minus strand). Cytogenetic location: 15q21.1.
Variant type: single nucleotide variant.
Coding change: c.1042+5G>A on transcript NM_001482.3 (MANE Select); 5 bases into the intron after coding-DNA position 1042, G replaced by A.
Molecular consequence: intron variant.
Genome position (GRCh38, 1-based): chr15:45,364,792, C>T on the plus strand (G>A on the coding strand, the complement: GATM is on the minus strand). VCF-style: chr15-45364792-C-T. GRCh37 (hg19) VCF-style: chr15-45656990-C-T.
Other names: c.655+5G>A (NM_001321015.2).
Identifiers: ClinVar variation 2695659 (VCV002695659.3), dbSNP rs2541986113, ClinGen allele CA2697549026.

ClinVar aggregate classification (germline): Uncertain significance (1 of 4 stars; one submission).

Conditions:
Arginine:glycine amidinotransferase deficiency (CCDS3). Also called: Cerebral creatine deficiency syndrome 3; AGAT deficiency; L-Arginine:Glycine Amidinotransferase Deficiency; Creatine deficiency syndrome due to AGAT deficiency; GATM deficiency; L-Arginine:Glycine Amidinotransferase (AGAT) Deficiency. Identifiers: Orphanet 35704, MedGen C2675179, MONDO:0012996, OMIM 612718.

Submission:

Labcorp Genetics (formerly Invitae), Labcorp
Classification: Uncertain significance for Arginine:glycine amidinotransferase deficiency. Last evaluated: 2023-11-14. Review status: criteria provided, single submitter. Criteria: Invitae Variant Classification Sherloc (09022015). Collection method: clinical testing. Allele origin: germline.
Comment: This sequence change falls in intron 7 of the GATM gene. It does not directly change the encoded amino acid sequence of the GATM protein. It affects a nucleotide within the consensus splice site. This variant is not present in population databases (gnomAD no frequency). This variant has not been reported in the literature in individuals affected with GATM-related conditions. Variants that disrupt the consensus splice site are a relatively common cause of aberrant splicing (PMID: 17576681, 9536098). Algorithms developed to predict the effect of sequence changes on RNA splicing suggest that this variant may disrupt the consensus splice site. In summary, the available evidence is currently insufficient to determine the role of this variant in disease. Therefore, it has been classified as a Variant of Uncertain Significance.

Literature cited by the submitters: PubMed 17576681; PubMed 9536098.